The following is an entry in ClinVar:

ClinVar aggregate classification (germline): Likely benign (1 of 4 stars; one submission).

Allele frequency attached by ClinVar (database versions not stated): gnomAD exomes below 0.00001.
gnomAD v4.1: 3 of 1,607,810 alleles (0.00019%); highest among the groups gnomAD compares: South Asian, 0.0011%; no homozygotes.

Submission:

GeneDx
Classification: Likely benign. Last evaluated: 2016-01-12. Review status: criteria provided, single submitter. Criteria: GeneDx Variant Classification (06012015). Collection method: clinical testing. Allele origin: germline. Affected: yes.
Comment: This variant is considered likely benign or benign based on one or more of the following criteria: it is a conservative change, it occurs at a poorly conserved position in the protein, it is predicted to be benign by multiple in silico algorithms, and/or has population frequency not consistent with disease.

NM_005340.7(HINT1):c.*13G>T

Gene: HINT1 (histidine triad nucleotide binding protein 1; minus strand). Cytogenetic location: 5q23.3.
Variant type: single nucleotide variant.
Coding change: c.*13G>T on transcript NM_005340.7 (MANE Select); 13 bases downstream of the stop codon, G replaced by T.
Molecular consequence: 3 prime UTR variant. On other transcripts: non-coding transcript variant (5).
Genome position (GRCh38, 1-based): chr5:131,159,434, C>A on the plus strand (G>T on the coding strand, the complement: HINT1 is on the minus strand). VCF-style: chr5-131159434-C-A. GRCh37 (hg19) VCF-style: chr5-130495127-C-A.
Identifiers: ClinVar variation 382764 (VCV000382764.1), dbSNP rs1057521446, ClinGen allele CA16604852.